The following is an entry in ClinVar:

NM_000434.4(NEU1):c.932C>G (p.Pro311Arg)

Gene: NEU1 (neuraminidase 1; minus strand). Cytogenetic location: 6p21.33.
Variant type: single nucleotide variant.
Coding change: c.932C>G on transcript NM_000434.4 (MANE Select); coding-DNA position 932, C replaced by G.
Protein change: p.Pro311Arg; replaces proline 311 with arginine.
Molecular consequence: missense variant.
Genome position (GRCh38, 1-based): chr6:31,860,131, G>C on the plus strand (C>G on the coding strand, the complement: NEU1 is on the minus strand). VCF-style: chr6-31860131-G-C. GRCh37 (hg19) VCF-style: chr6-31827908-G-C.
Other names: p.Pro311Arg; short protein forms P311R.
Identifiers: ClinVar variation 1314035 (VCV001314035.8), dbSNP rs776640789, ClinGen allele CA3724920.

ClinVar aggregate classification (germline): Uncertain significance. Review status: criteria provided, multiple submitters, no conflicts (2 of 4 stars). 4 submissions from 4 submitters: Uncertain significance (4). Last evaluated 2025-12-04.

Conditions:
Inborn genetic diseases. Identifiers: MedGen C0950123, MeSH D030342.

Allele frequency attached by ClinVar (database versions not stated): gnomAD exomes 0.00008 and 0.00002; TOPMed 0.00008; ExAC 0.00002; gnomAD 0.00006.

Submissions (4):

Ambry Genetics
Classification: Uncertain significance for Inborn genetic diseases. Last evaluated: 2025-12-04. Review status: criteria provided, single submitter. Criteria: Ambry Variant Classification Scheme 2023. Collection method: clinical testing. Allele origin: germline.

Mayo Clinic Laboratories, Mayo Clinic
Classification: Uncertain significance. Last evaluated: 2025-10-16. Review status: criteria provided, single submitter. Criteria: ACMG Guidelines, 2015. Collection method: clinical testing. Allele origin: germline. Observed: 1 variant allele.
Comment: BP4_moderate

Labcorp Genetics (formerly Invitae), Labcorp
Classification: Uncertain significance. Last evaluated: 2022-09-07. Review status: criteria provided, single submitter. Criteria: Invitae Variant Classification Sherloc (09022015). Collection method: clinical testing. Allele origin: germline.
Comment: This sequence change replaces proline, which is neutral and non-polar, with arginine, which is basic and polar, at codon 311 of the NEU1 protein (p.Pro311Arg). This variant is present in population databases (rs776640789, gnomAD 0.04%). This variant has not been reported in the literature in individuals affected with NEU1-related conditions. ClinVar contains an entry for this variant (Variation ID: 1314035). Algorithms developed to predict the effect of missense changes on protein structure and function (SIFT, PolyPhen-2, Align-GVGD) all suggest that this variant is likely to be tolerated. Algorithms developed to predict the effect of sequence changes on RNA splicing suggest that this variant may create or strengthen a splice site. In summary, the available evidence is currently insufficient to determine the role of this variant in disease. Therefore, it has been classified as a Variant of Uncertain Significance.

GeneDx
Classification: Uncertain significance. Last evaluated: 2021-01-22. Review status: criteria provided, single submitter. Criteria: GeneDx Variant Classification Process June 2021. Collection method: clinical testing. Allele origin: germline. Affected: yes.
Comment: In silico analysis supports that this missense variant does not alter protein structure/function; Has not been previously published as pathogenic or benign to our knowledge